The following is an entry in ClinVar:

NM_004667.6(HERC2):c.13710G>A (p.Ala4570=)

Gene: HERC2 (HECT and RLD domain containing E3 ubiquitin protein ligase 2; minus strand). Cytogenetic location: 15q13.1.
Variant type: single nucleotide variant.
Coding change: c.13710G>A on transcript NM_004667.6 (MANE Select); coding-DNA position 13710, G replaced by A.
Protein change: p.Ala4570=; no amino-acid change (alanine 4570 retained).
Molecular consequence: synonymous variant.
Genome position (GRCh38, 1-based): chr15:28,115,441, C>T on the plus strand (G>A on the coding strand, the complement: HERC2 is on the minus strand). VCF-style: chr15-28115441-C-T. GRCh37 (hg19) VCF-style: chr15-28360587-C-T.
Identifiers: ClinVar variation 3902185 (VCV003902185.1).

ClinVar aggregate classification (germline): Uncertain significance (1 of 4 stars; one submission).

gnomAD v4.1: 117 of 1,613,434 alleles (0.0073%); highest among the groups gnomAD compares: Middle Eastern, 0.017%; no homozygotes.

Submission:

Women's Health and Genetics/Laboratory Corporation of America, LabCorp
Classification: Uncertain significance. Last evaluated: 2025-05-15. Review status: criteria provided, single submitter. Criteria: LabCorp Variant Classification Summary - May 2015. Collection method: clinical testing. Allele origin: germline.
Comment: Variant summary: HERC2 c.13710G>A alters a conserved nucleotide resulting in a synonymous change. Several computational tools predict a significant impact on normal splicing: Two predict the variant creates a cryptic 3' acceptor site. However, these predictions have yet to be confirmed by functional studies. The variant allele was found at a frequency of 7.6e-05 in 250570 control chromosomes. This frequency is not significantly higher than estimated for a pathogenic variant in HERC2 causing Autosomal Recessive Intellectual Developmental Disorder 38, allowing no conclusion about variant significance. To our knowledge, no occurrence of c.13710G>A in individuals affected with Autosomal Recessive Intellectual Developmental Disorder and no experimental evidence demonstrating its impact on protein function have been reported. No submitters have cited clinical-significance assessments for this variant to ClinVar. Based on the evidence outlined above, the variant was classified as uncertain significance.